The following is an entry in ClinVar:

ClinVar aggregate classification (germline): Pathogenic (1 of 4 stars; one submission).

Conditions:
Hereditary cancer-predisposing syndrome. Also called: Neoplastic Syndromes, Hereditary; Tumor predisposition; Hereditary Cancer Syndrome; Hereditary neoplastic syndrome. Identifiers: Orphanet 140162, MedGen C0027672, MeSH D009386, MONDO:0015356.

Submission:

Color Diagnostics, LLC DBA Color Health
Classification: Pathogenic for Hereditary cancer-predisposing syndrome. Last evaluated: 2020-01-15. Review status: criteria provided, single submitter. Criteria: ACMG Guidelines, 2015. Collection method: clinical testing. Allele origin: germline.
Comment: This variant deletes 1 nucleotide in exon 10 of the BRCA1 gene, creating a frameshift and premature translation stop signal. This variant is expected to result in an absent or non-functional protein product. This variant has not been identified in the general population by the Genome Aggregation Database (gnomAD). Loss of BRCA1 function is a known mechanism of disease. Based on the available evidence, this variant is classified as Pathogenic.

NM_007294.4(BRCA1):c.2245del (p.Asp749fs)

Gene: BRCA1 (BRCA1 DNA repair associated; minus strand). Cytogenetic location: 17q21.31.
Variant type: Deletion.
Coding change: c.2245del on transcript NM_007294.4 (MANE Select); coding-DNA position 2245, one base deleted (G; older notation c.2245delG).
Protein change: p.Asp749fs; shifts the reading frame from aspartic acid 749.
Molecular consequence: frameshift variant. On other transcripts: intron variant (137).
Genome position (GRCh38, 1-based): chr17:43,093,286, C deleted on the plus strand (G on the coding strand, the reverse complement: BRCA1 is on the minus strand). VCF-style (leftmost placement, unchanged base first): chr17-43093285-TC-T. GRCh37 (hg19) VCF-style: chr17-41245302-TC-T.
Other names: c.2032del, p.Asp678fs (NM_001407571.1, NM_001407853.1, NM_001407894.1 and 9 more transcripts); c.2245del, p.Asp749fs (NM_001407581.1, NM_001407582.1, NM_001407583.1 and 30 more transcripts); c.2242del, p.Asp748fs (NM_001407587.1, NM_001407590.1, NM_001407591.1 and 22 more transcripts); c.2236del, p.Asp746fs (NM_001407646.1, NM_001407647.1); c.2122del, p.Asp708fs (NM_001407648.1, NM_001407664.1, NM_001407665.1 and 19 more transcripts); c.2119del, p.Asp707fs (NM_001407649.1, NM_001407670.1, NM_001407671.1 and 11 more transcripts); c.2167del, p.Asp723fs (NM_001407653.1, NM_001407654.1, NM_001407655.1 and 4 more transcripts); c.2164del, p.Asp722fs (NM_001407659.1, NM_001407660.1, NM_001407661.1 and 1 more transcripts); and 42 more; short protein forms D702fs, D749fs, D622fs, D678fs, D681fs, D722fs, D723fs, D746fs.
Identifiers: ClinVar variation 920249 (VCV000920249.4), dbSNP rs2053796108, ClinGen allele CA913188815.